The following is an entry in ClinVar:

ClinVar aggregate classification (germline): Conflicting classifications of pathogenicity. Review status: criteria provided, conflicting classifications (1 of 4 stars). 2 submissions from 2 submitters: Uncertain significance (1); Likely benign (1). Last evaluated 2025-10-23.

Allele frequency attached by ClinVar (database versions not stated): TOPMed 0.00001; gnomAD 0.00001; gnomAD exomes 0.00001; ExAC 0.00003.
gnomAD v4.1: 20 of 1,614,040 alleles (0.0012%); highest among the groups gnomAD compares: East Asian, 0.0045%; no homozygotes.

Submissions (2):

Labcorp Genetics (formerly Invitae), Labcorp
Classification: Uncertain significance. Last evaluated: 2025-10-23. Review status: criteria provided, single submitter. Criteria: Invitae Variant Classification Sherloc (09022015). Collection method: clinical testing. Allele origin: germline.
Comment: This sequence change replaces proline, which is neutral and non-polar, with threonine, which is neutral and polar, at codon 94 of the CREB3L3 protein (p.Pro94Thr). This variant is present in population databases (rs376080374, gnomAD 0.01%). This variant has not been reported in the literature in individuals affected with CREB3L3-related conditions. ClinVar contains an entry for this variant (Variation ID: 2548263). Invitae Evidence Modeling of protein sequence and biophysical properties (such as structural, functional, and spatial information, amino acid conservation, physicochemical variation, residue mobility, and thermodynamic stability) indicates that this missense variant is not expected to disrupt CREB3L3 protein function with a negative predictive value of 80%. In summary, the available evidence is currently insufficient to determine the role of this variant in disease. Therefore, it has been classified as a Variant of Uncertain Significance.

Ambry Genetics
Classification: Likely benign. Last evaluated: 2024-04-17. Review status: criteria provided, single submitter. Criteria: Ambry Variant Classification Scheme 2023. Collection method: clinical testing. Allele origin: germline.

Literature cited by the submitters: PubMed 28106320 (cited by Ambry Genetics); PubMed 36413997 (cited by Ambry Genetics).

NM_032607.3(CREB3L3):c.280C>A (p.Pro94Thr)

Gene: CREB3L3 (cAMP responsive element binding protein 3 like 3; plus strand). Cytogenetic location: 19p13.3.
Variant type: single nucleotide variant.
Coding change: c.280C>A on transcript NM_032607.3 (MANE Select); coding-DNA position 280, C replaced by A.
Protein change: p.Pro94Thr; replaces proline 94 with threonine.
Molecular consequence: missense variant.
Genome position (GRCh38, 1-based): chr19:4,157,118, C>A. VCF-style: chr19-4157118-C-A. GRCh37 (hg19) VCF-style: chr19-4157115-C-A.
Other names: c.277C>A, p.Pro93Thr (NM_001271995.2); c.280C>A, p.Pro94Thr (NM_001271996.2, NM_001271997.2); short protein forms P94T, P93T.
Identifiers: ClinVar variation 2548263 (VCV002548263.6), dbSNP rs376080374, ClinGen allele CA9091257.